The following is an entry in ClinVar:

NM_001164277.2(SLC37A4):c.929del (p.Gly310fs)

Gene: SLC37A4 (solute carrier family 37 member 4; minus strand). Cytogenetic location: 11q23.3.
Variant type: Deletion.
Coding change: c.929del on transcript NM_001164277.2 (MANE Select); coding-DNA position 929, one base deleted (G; older notation c.929delG).
Protein change: p.Gly310fs; shifts the reading frame from glycine 310.
Molecular consequence: frameshift variant.
Genome position (GRCh38, 1-based): chr11:119,026,022, C deleted on the plus strand (G on the coding strand, the reverse complement: SLC37A4 is on the minus strand); the first of 2 consecutive C bases (chr11:119,026,022-119,026,023); deleting either gives the same sequence. VCF-style (leftmost placement, unchanged base first): chr11-119026021-GC-G. GRCh37 (hg19) VCF-style: chr11-118896731-GC-G.
Other names: c.929del, p.Gly310fs (NM_001164278.2, NM_001164280.2, NM_001467.6); c.710del, p.Gly237fs (NM_001164279.2); short protein forms G310fs, G237fs.
Identifiers: ClinVar variation 971803 (VCV000971803.9), dbSNP rs1943556915, ClinGen allele CA1139662376.

ClinVar aggregate classification (germline): Pathogenic (1 of 4 stars; one submission).

Conditions:
Glucose-6-phosphate transport defect (GSD1B). Also called: Glycogen Storage Disease Type Ib; GSD Ib. Identifiers: Orphanet 364, Orphanet 79259, MedGen C0268146, MONDO:0009288, OMIM 232220.

Submission:

Labcorp Genetics (formerly Invitae), Labcorp
Classification: Pathogenic for Glucose-6-phosphate transport defect. Last evaluated: 2019-10-15. Review status: criteria provided, single submitter. Criteria: Invitae Variant Classification Sherloc (09022015). Collection method: clinical testing. Allele origin: germline.
Comment: This variant is not present in population databases (ExAC no frequency). This variant has not been reported in the literature in individuals with SLC37A4-related conditions. Loss-of-function variants in SLC37A4 are known to be pathogenic (PMID: 9758626, 10940311). For these reasons, this variant has been classified as Pathogenic. This sequence change creates a premature translational stop signal (p.Gly310Alafs*2) in the SLC37A4 gene. It is expected to result in an absent or disrupted protein product.

Literature cited by the submitters: PubMed 9758626; PubMed 10940311.